The following is an entry in ClinVar:

ClinVar aggregate classification (germline): Benign. Review status: reviewed by expert panel (3 of 4 stars). 29 submissions from 29 submitters: Benign (1). 28 of the submissions do not count toward it. Last evaluated 2015-08-10.

Conditions:
BRCA2-related cancer predisposition. Identifiers: MedGen CN377758, MONDO:0700269.
Breast and/or ovarian cancer. Identifiers: MedGen CN221562.
Hereditary cancer-predisposing syndrome. Also called: Neoplastic Syndromes, Hereditary; Hereditary neoplastic syndrome; Hereditary Cancer Syndrome; Tumor predisposition. Identifiers: Orphanet 140162, MedGen C0027672, MeSH D009386, MONDO:0015356.
Hereditary breast ovarian cancer syndrome. Also called: Hereditary breast and ovarian cancer syndrome (HBOC); Breast and ovarian cancer; BRCA1- and BRCA2-Associated Hereditary Breast and Ovarian Cancer; Hereditary breast and ovarian cancer syndrome; Hereditary breast and ovarian cancer; Hereditary breast and/or ovarian cancer syndrome. Identifiers: Orphanet 145, MedGen C0677776, MeSH D061325, MONDO:0003582. Disease mechanism: loss of function.
Breast-ovarian cancer, familial, susceptibility to, 2 (BROVCA2). Also called: BRCA2 Hereditary Breast and Ovarian Cancer. Identifiers: Orphanet 145, MedGen C2675520, MONDO:0012933, OMIM 612555. Disease mechanism: loss of function.
Malignant tumor of breast. Also called: Malignant breast neoplasm; Cancer breast. Identifiers: MedGen C0006142, MONDO:0007254. Disease mechanism: loss of function.

Allele frequency attached by ClinVar (database versions not stated): gnomAD exomes 0.00041; ESP Exome Variant Server 0.00192; 1000 Genomes Project 30x 0.00219; gnomAD 0.00168 and 0.00156; ExAC 0.00050; TOPMed 0.00155; 1000 Genomes Project 0.00200.
gnomAD v4.1: 459 of 1,603,724 alleles (0.029%); highest among the groups gnomAD compares: African/African-American, 0.57%; 2 homozygotes.

Submissions 1 to 22 of 29:

Evidence-based Network for the Interpretation of Germline Mutant Alleles (ENIGMA)
Classification: Benign for Breast-ovarian cancer, familial 2. Last evaluated: 2015-08-10. Review status: reviewed by expert panel. Criteria: ENIGMA BRCA1/2 Classification Criteria (2015). Collection method: curation. Allele origin: germline.
Comment: IARC class based on posterior probability from multifactorial likelihood analysis, thresholds for class as per Plon et al. 2008 (PMID: 18951446). Class 1 based on posterior probability = 0.00000895

CeGaT Center for Human Genetics Tuebingen
Classification: Likely benign. Last evaluated: 2026-07-01. Review status: criteria provided, single submitter. Criteria: CeGaT Center For Human Genetics Tuebingen Variant Classification Criteria Version 2. Collection method: clinical testing. Allele origin: germline. Affected: yes. Observed: 2 variant alleles. Not counted in ClinVar's aggregate classification.
Comment: BRCA2: BP4

Labcorp Genetics (formerly Invitae), Labcorp
Classification: Benign for Hereditary breast ovarian cancer syndrome. Last evaluated: 2026-02-03. Review status: criteria provided, single submitter. Criteria: Invitae Variant Classification Sherloc (09022015). Collection method: clinical testing. Allele origin: germline. Not counted in ClinVar's aggregate classification.

Dasa
Classification: Benign for Breast-ovarian cancer, familial, susceptibility to, 2. Last evaluated: 2025-11-22. Review status: criteria provided, single submitter. Criteria: DASA Assertion Criteria. Collection method: clinical testing. Allele origin: germline. Not counted in ClinVar's aggregate classification.
Comment: NM_000059.4(BRCA2):c.4187A>G (p.Gln1396Arg) is interpreted as benign based on a combination of available evidence, which may include population frequency, observations in unaffected individuals, intact protein function, lack of segregation with disease, in silico models, amino acid conservation, lack of disease association in case-control studies, and/or inconsistency with the known disease mechanism or impacted region. Based on the available data, this variant is classified as benign.

Blueprint Genetics
Classification: Benign. Last evaluated: 2024-10-07. Review status: criteria provided, single submitter. Criteria: ACMG Guidelines, 2015. Collection method: clinical testing. Allele origin: germline. Not counted in ClinVar's aggregate classification.

All of Us Research Program, National Institutes of Health
Classification: Likely benign for BRCA2-related cancer predisposition. Last evaluated: 2024-09-23. Review status: criteria provided, single submitter. Criteria: ACMG Guidelines, 2015. Collection method: clinical testing. Allele origin: germline. Inheritance: Autosomal dominant inheritance. Observed: 120 variant alleles, 120 heterozygotes. Not counted in ClinVar's aggregate classification.
Comment: This study involves interpretation of variants in research participants for the purpose of population health screening. Participant phenotype was not available at the time of variant classification. Additional details can be found in publication PMID: 35346344, PMCID: PMC8962531

ARUP Laboratories, Molecular Genetics and Genomics, ARUP Laboratories
Classification: Benign. Last evaluated: 2024-04-22. Review status: criteria provided, single submitter. Criteria: ARUP Molecular Germline Variant Investigation Process 2024. Collection method: clinical testing. Allele origin: germline. Not counted in ClinVar's aggregate classification.

CHEO Genetics Diagnostic Laboratory, Children's Hospital of Eastern Ontario
Classification: Likely benign for Breast and/or ovarian cancer. Last evaluated: 2021-11-22. Review status: criteria provided, single submitter. Criteria: ACMG Guidelines, 2015. Collection method: clinical testing. Allele origin: germline. Study: Canadian Open Genetics Repository. Not counted in ClinVar's aggregate classification.

Genetics Program, Instituto Nacional de Cancer
Classification: Likely benign for Hereditary breast ovarian cancer syndrome. Last evaluated: 2021-11-01. Review status: criteria provided, single submitter. Criteria: ACMG Guidelines, 2015. Collection method: research. Allele origin: germline. Affected: yes. Not counted in ClinVar's aggregate classification.

GeneDx
Classification: Likely benign. Last evaluated: 2021-06-14. Review status: criteria provided, single submitter. Criteria: GeneDx Variant Classification Process June 2021. Collection method: clinical testing. Allele origin: germline. Affected: yes. Not counted in ClinVar's aggregate classification.
Comment: This variant is associated with the following publications: (PMID: 21520273, 22034289, 24728327, 24323938, 16886281, 20104584, 26306726, 19471317, 12491487, 21990134, 12491499, 17924331, 26878173, 18284688)

Sema4
Classification: Benign for Hereditary cancer-predisposing syndrome. Last evaluated: 2020-07-07. Review status: criteria provided, single submitter. Criteria: Sema4 Curation Guidelines. Collection method: curation. Allele origin: germline. Not counted in ClinVar's aggregate classification.

Genetic Services Laboratory, University of Chicago
Classification: Likely benign. Last evaluated: 2019-12-17. Review status: criteria provided, single submitter. Criteria: ACMG Guidelines, 2015. Collection method: clinical testing. Allele origin: germline. Affected: no. Not counted in ClinVar's aggregate classification.

Mendelics
Classification: Likely benign for Breast-ovarian cancer, familial, susceptibility to, 2. Last evaluated: 2019-05-28. Review status: criteria provided, single submitter. Criteria: Mendelics Assertion Criteria 2017. Collection method: clinical testing. Allele origin: unknown. Not counted in ClinVar's aggregate classification.

Institute for Biomarker Research, Medical Diagnostic Laboratories, L.L.C.
Classification: Likely benign for Hereditary breast ovarian cancer syndrome. Last evaluated: 2016-04-25. Review status: criteria provided, single submitter. Criteria: ACMG Guidelines, 2015. Collection method: clinical testing. Allele origin: germline. Not counted in ClinVar's aggregate classification.

Laboratory for Molecular Medicine, Mass General Brigham Personalized Medicine
Classification: Likely benign. Last evaluated: 2016-03-28. Review status: criteria provided, single submitter. Criteria: LMM Criteria. Collection method: clinical testing. Allele origin: germline. Not counted in ClinVar's aggregate classification.
Comment: Variant identified in a genome or exome case(s) and assessed due to predicted null impact of the variant or pathogenic assertions in the literature or databases. Disclaimer: This variant has not undergone full assessment. The following are preliminary notes: ExAC: 0.6% (60/9946) African; ClinVar: 7B/LB, 1 VUS

Clinical Genetics DNA and cytogenetics Diagnostics Lab, Erasmus MC, Erasmus Medical Center
Classification: Benign for Breast-ovarian cancer, familial, susceptibility to, 2. Last evaluated: 2015-09-21. Review status: criteria provided, single submitter. Criteria: ACGS Guidelines, 2013. Collection method: clinical testing. Allele origin: germline. Affected: yes. Study: VKGL Data-share Consensus. Not counted in ClinVar's aggregate classification.

Genomic Diagnostic Laboratory, Division of Genomic Diagnostics, Children's Hospital of Philadelphia
Classification: Likely benign for Hereditary Breast and Ovarian Cancer. Last evaluated: 2015-06-08. Review status: criteria provided, single submitter. Criteria: DGD Variant Analysis Guidelines. Collection method: clinical testing. Allele origin: unknown. Not counted in ClinVar's aggregate classification.

Color Diagnostics, LLC DBA Color Health
Classification: Likely benign for Hereditary cancer-predisposing syndrome. Last evaluated: 2015-03-09. Review status: criteria provided, single submitter. Criteria: ACMG Guidelines, 2015. Collection method: clinical testing. Allele origin: germline. Not counted in ClinVar's aggregate classification.

Ambry Genetics
Classification: Benign for Hereditary cancer-predisposing syndrome. Last evaluated: 2014-11-19. Review status: criteria provided, single submitter. Criteria: Ambry Variant Classification Scheme 2023. Collection method: clinical testing. Allele origin: germline. Not counted in ClinVar's aggregate classification.

Women's Health and Genetics/Laboratory Corporation of America, LabCorp
Classification: Benign for Hereditary breast ovarian cancer syndrome. Last evaluated: 2014-04-22. Review status: criteria provided, single submitter. Criteria: LabCorp Variant Classification Summary - May 2015. Collection method: clinical testing. Allele origin: germline. Not counted in ClinVar's aggregate classification.

Mayo Clinic Laboratories, Mayo Clinic
Classification: Likely benign. Last evaluated: 2017-08-02. Review status: no assertion criteria provided. Collection method: clinical testing. Allele origin: unknown. Not counted in ClinVar's aggregate classification.

Pathway Genomics
Classification: Likely benign for Breast-ovarian cancer, familial 2. Last evaluated: 2014-11-06. Review status: no assertion criteria provided. Collection method: clinical testing. Allele origin: germline. Not counted in ClinVar's aggregate classification.

NM_000059.4(BRCA2):c.4187A>G (p.Gln1396Arg)

Gene: BRCA2 (BRCA2 DNA repair associated; plus strand). Cytogenetic location: 13q13.1.
Variant type: single nucleotide variant.
Coding change: c.4187A>G on transcript NM_000059.4 (MANE Select); coding-DNA position 4187, A replaced by G.
Protein change: p.Gln1396Arg; replaces glutamine 1396 with arginine.
Molecular consequence: missense variant.
Genome position (GRCh38, 1-based): chr13:32,338,542, A>G. VCF-style: chr13-32338542-A-G. GRCh37 (hg19) VCF-style: chr13-32912679-A-G.
Other names: p.Q1396R:CAA>CGA; 4415A>G; short protein forms Q1396R.
Identifiers: ClinVar variation 37886 (VCV000037886.109), dbSNP rs55969723, ClinGen allele CA019687.